The following is an entry in ClinVar:

NM_001170629.2(CHD8):c.6727C>T (p.Arg2243Cys)

Gene: CHD8 (chromodomain helicase DNA binding protein 8; minus strand). Cytogenetic location: 14q11.2.
Variant type: single nucleotide variant.
Coding change: c.6727C>T on transcript NM_001170629.2 (MANE Select); coding-DNA position 6727, C replaced by T.
Protein change: p.Arg2243Cys; replaces arginine 2243 with cysteine.
Molecular consequence: missense variant.
Genome position (GRCh38, 1-based): chr14:21,392,551, G>A on the plus strand (C>T on the coding strand, the complement: CHD8 is on the minus strand). VCF-style: chr14-21392551-G-A. GRCh37 (hg19) VCF-style: chr14-21860710-G-A.
Other names: c.5890C>T, p.Arg1964Cys (NM_020920.4); short protein forms R1964C, R2243C.
Identifiers: ClinVar variation 2577816 (VCV002577816.3), dbSNP rs1366060161, ClinGen allele CA388878276.
Genomic context (GRCh38, chr14:21,392,551, plus strand): 5'-CAAATGCTGAGCTTACATCTTTGATTTGAACTGTAAACTCCTTTTCATCCATGCCTCGGC[G>A]AAGTTTGGTGAACTGGGCTGCCGCTGTGCTGACTGCAGATGCTTCCTCCTCTGCCATGGA-3'
Protein context (NP_001164100.1, residues 2233-2253): STAAAQFTKL[Arg2243Cys]RGMDEKEFTV

ClinVar aggregate classification (germline): Uncertain significance. Review status: criteria provided, multiple submitters, no conflicts (2 of 4 stars). 3 submissions from 3 submitters: Uncertain significance (3). Last evaluated 2025-10-03.

Conditions:
Inborn genetic diseases. Identifiers: MedGen C0950123, MeSH D030342.

Allele frequency attached by ClinVar (database versions not stated): gnomAD exomes below 0.00001.
gnomAD v4.1: 3 of 1,613,232 alleles (0.00019%); highest among the groups gnomAD compares: African/African-American, 0.0013%; no homozygotes.

Submissions (3):

Labcorp Genetics (formerly Invitae), Labcorp
Classification: Uncertain significance. Last evaluated: 2025-10-03. Review status: criteria provided, single submitter. Criteria: Invitae Variant Classification Sherloc (09022015). Collection method: clinical testing. Allele origin: germline.
Comment: This sequence change replaces arginine, which is basic and polar, with cysteine, which is neutral and slightly polar, at codon 2243 of the CHD8 protein (p.Arg2243Cys). This variant is not present in population databases (gnomAD no frequency). This variant has not been reported in the literature in individuals affected with CHD8-related conditions. ClinVar contains an entry for this variant (Variation ID: 2577816). Invitae Evidence Modeling of protein sequence and biophysical properties (such as structural, functional, and spatial information, amino acid conservation, physicochemical variation, residue mobility, and thermodynamic stability) indicates that this missense variant is not expected to disrupt CHD8 protein function with a negative predictive value of 95%. In summary, the available evidence is currently insufficient to determine the role of this variant in disease. Therefore, it has been classified as a Variant of Uncertain Significance.

Ambry Genetics
Classification: Uncertain significance for Inborn genetic diseases. Last evaluated: 2025-05-14. Review status: criteria provided, single submitter. Criteria: Ambry Variant Classification Scheme 2023. Collection method: clinical testing. Allele origin: germline.

GeneDx
Classification: Uncertain significance. Last evaluated: 2023-08-25. Review status: criteria provided, single submitter. Criteria: GeneDx Variant Classification Process June 2021. Collection method: clinical testing. Allele origin: germline. Affected: yes.
Comment: Not observed at significant frequency in large population cohorts (gnomAD); In silico analysis supports that this missense variant has a deleterious effect on protein structure/function; Has not been previously published as pathogenic or benign to our knowledge